The following is an entry in ClinVar:

NM_015665.6(AAAS):c.1416+2T>C

Gene: AAAS (aladin WD repeat nucleoporin; minus strand). Cytogenetic location: 12q13.13.
Variant type: single nucleotide variant.
Coding change: c.1416+2T>C on transcript NM_015665.6 (MANE Select); the canonical splice donor site of the intron after coding-DNA position 1416, T replaced by C.
Molecular consequence: splice donor variant.
Genome position (GRCh38, 1-based): chr12:53,307,843, A>G on the plus strand (T>C on the coding strand, the complement: AAAS is on the minus strand). VCF-style: chr12-53307843-A-G. GRCh37 (hg19) VCF-style: chr12-53701627-A-G.
Other names: c.1317+2T>C (NM_001173466.2).
Identifiers: ClinVar variation 2872573 (VCV002872573.3), dbSNP rs1339994014, ClinGen allele CA385037580.
Genomic context (GRCh38, chr12:53,307,843, plus strand): 5'-CAGCCAAGGCCCTCAGCTTCTCCATCCAACTCCTGGAAGCCCCAGCAGCCTGGCGCACTC[A>G]CCACACTGAGCAGGGCCCCTTTGTTGAAGGAAGGATGGAAAGTGATGAGCTGGGGCTGGG-3'

ClinVar aggregate classification (germline): Pathogenic (1 of 4 stars; one submission).

Allele frequency attached by ClinVar (database versions not stated): gnomAD exomes below 0.00001.
gnomAD v4.1: 1 of 1,614,226 alleles (0.000062%); highest among the groups gnomAD compares: Non-Finnish European, 0.000085%; no homozygotes.

Submission:

Labcorp Genetics (formerly Invitae), Labcorp
Classification: Pathogenic. Last evaluated: 2023-03-27. Review status: criteria provided, single submitter. Criteria: Invitae Variant Classification Sherloc (09022015). Collection method: clinical testing. Allele origin: germline.
Comment: For these reasons, this variant has been classified as Pathogenic. This variant disrupts a region of the AAAS protein in which other variant(s) (p.Arg478*) have been determined to be pathogenic (PMID: 11062474, 14646395, 29874194, 30381913). This suggests that this is a clinically significant region of the protein, and that variants that disrupt it are likely to be disease-causing. Variants that disrupt the consensus splice site are a relatively common cause of aberrant splicing (PMID: 17576681, 9536098). Algorithms developed to predict the effect of sequence changes on RNA splicing suggest that this variant may disrupt the consensus splice site. This variant has not been reported in the literature in individuals affected with AAAS-related conditions. This variant is present in population databases (no rsID available, gnomAD 0.0009%). This sequence change affects a donor splice site in intron 15 of the AAAS gene. While this variant is not anticipated to result in nonsense mediated decay, it likely alters RNA splicing and results in a disrupted protein product.

Literature cited by the submitters: PubMed 11062474; PubMed 14646395; PubMed 29874194; PubMed 30381913; PubMed 17576681; PubMed 9536098.